The following is an entry in ClinVar:

ClinVar aggregate classification (germline): Uncertain significance (1 of 4 stars; one submission).

gnomAD v4.1: 1 of 1,613,950 alleles (0.000062%); highest among the groups gnomAD compares: Non-Finnish European, 0.000085%; no homozygotes.

Submission:

GeneDx
Classification: Uncertain significance. Last evaluated: 2025-08-15. Review status: criteria provided, single submitter. Criteria: GeneDx Variant Classification Process June 2021. Collection method: clinical testing. Allele origin: germline. Affected: yes.
Comment: Not observed at significant frequency in large population cohorts (gnomAD); In silico analysis supports that this missense variant has a deleterious effect on protein structure/function; Has not been previously published as pathogenic or benign to our knowledge

NM_001085458.2(CTNND1):c.1346A>C (p.Asn449Thr)

Genes: CTNND1 (catenin delta 1; plus strand), TMX2-CTNND1 (TMX2-CTNND1 readthrough (NMD candidate); plus strand). Cytogenetic location: 11q12.1.
Variant type: single nucleotide variant.
Coding change: c.1346A>C on transcript NM_001085458.2 (MANE Select); coding-DNA position 1346, A replaced by C.
Protein change: p.Asn449Thr; replaces asparagine 449 with threonine.
Molecular consequence: missense variant. On other transcripts: non-coding transcript variant (1).
Genome position (GRCh38, 1-based): chr11:57,802,122, A>C. VCF-style: chr11-57802122-A-C. GRCh37 (hg19) VCF-style: chr11-57569594-A-C.
Other names: c.1346A>C, p.Asn449Thr (NM_001085459.2, NM_001085460.2, NM_001206885.2 and 3 more transcripts); c.1184A>C, p.Asn395Thr (NM_001206884.2, NM_001206886.2, NM_001206887.2 and 4 more transcripts); c.1043A>C, p.Asn348Thr (NM_001206890.2, NM_001085463.2, NM_001085464.2 and 5 more transcripts); short protein forms N348T, N449T, N395T.
Identifiers: ClinVar variation 4795353 (VCV004795353.1).
Genomic context (GRCh38, chr11:57,802,122, plus strand): 5'-GTGGAGCTCTCAAGAATATCTCTTTTGGACGTGACCAGGATAACAAGATTGCCATAAAAA[A>C]CTGTGATGGTGTGCCTGCCCTTGTGCGATTGCTTCGAAAGGCTCGTGATATGGACCTTAC-3'
Protein context (NP_001078927.1, residues 439-459): RDQDNKIAIK[Asn449Thr]CDGVPALVRL